The following is an entry in ClinVar:

ClinVar aggregate classification (germline): Uncertain significance (1 of 4 stars; one submission).

Conditions:
Ataxia-telangiectasia syndrome (AT). Also called: Ataxia-telangiectasia, complementation group D; AT, COMPLEMENTATION GROUP C; Ataxia-telangiectasia; Ataxia telangiectasia (A-T); LOUIS-BAR SYNDROME; Cerebello-oculocutaneous telangiectasia. Identifiers: Orphanet 100, MedGen C0004135, MONDO:0008840, OMIM 208900.

Submission:

Labcorp Genetics (formerly Invitae), Labcorp
Classification: Uncertain significance for Ataxia-telangiectasia syndrome. Last evaluated: 2025-11-05. Review status: criteria provided, single submitter. Criteria: Invitae Variant Classification Sherloc (09022015). Collection method: clinical testing. Allele origin: germline.
Comment: This sequence change replaces leucine, which is neutral and non-polar, with phenylalanine, which is neutral and non-polar, at codon 1144 of the ATM protein (p.Leu1144Phe). This variant is not present in population databases (gnomAD no frequency). This variant has not been reported in the literature in individuals affected with ATM-related conditions. Invitae Evidence Modeling of protein sequence and biophysical properties (such as structural, functional, and spatial information, amino acid conservation, physicochemical variation, residue mobility, and thermodynamic stability) indicates that this missense variant is not expected to disrupt ATM protein function with a negative predictive value of 95%. In summary, the available evidence is currently insufficient to determine the role of this variant in disease. Therefore, it has been classified as a Variant of Uncertain Significance.

NM_000051.4(ATM):c.3432G>C (p.Leu1144Phe)

Gene: ATM (ATM serine/threonine kinase; plus strand). Cytogenetic location: 11q22.3.
Variant type: single nucleotide variant.
Coding change: c.3432G>C on transcript NM_000051.4 (MANE Select); coding-DNA position 3432, G replaced by C.
Protein change: p.Leu1144Phe; replaces leucine 1144 with phenylalanine.
Molecular consequence: missense variant.
Genome position (GRCh38, 1-based): chr11:108,281,024, G>C. VCF-style: chr11-108281024-G-C. GRCh37 (hg19) VCF-style: chr11-108151751-G-C.
Other names: c.3432G>C, p.Leu1144Phe (NM_001351834.2); short protein forms L1144F.
Identifiers: ClinVar variation 4747199 (VCV004747199.1).